The following is an entry in ClinVar:

NM_000094.4(COL7A1):c.2548G>T (p.Asp850Tyr)

Gene: COL7A1 (collagen type VII alpha 1 chain; minus strand). Cytogenetic location: 3p21.31.
Variant type: single nucleotide variant.
Coding change: c.2548G>T on transcript NM_000094.4 (MANE Select); coding-DNA position 2548, G replaced by T.
Protein change: p.Asp850Tyr; replaces aspartic acid 850 with tyrosine.
Molecular consequence: missense variant.
Genome position (GRCh38, 1-based): chr3:48,588,681, C>A on the plus strand (G>T on the coding strand, the complement: COL7A1 is on the minus strand). VCF-style: chr3-48588681-C-A. GRCh37 (hg19) VCF-style: chr3-48626114-C-A.
Other names: short protein forms D850Y.
Identifiers: ClinVar variation 2627421 (VCV002627421.1), dbSNP rs538387822, ClinGen allele CA352718803.

ClinVar aggregate classification (germline): Uncertain significance (1 of 4 stars; one submission).

Conditions:
Recessive dystrophic epidermolysis bullosa (RDEB). Also called: epidermolysis bullosa dystrophica, autosomal recessive; Recessive DEB (RDEB); DYSTROPHIC EPIDERMOLYSIS BULLOSA, AUTOSOMAL RECESSIVE; EPIDERMOLYSIS BULLOSA DYSTROPHICA, HALLOPEAU-SIEMENS TYPE; severe generalized recessive dystrophic epidermolysis bullosa; Hallopeau-Siemens Disease. Identifiers: Orphanet 79408, Orphanet 79409, MedGen C0079474, MONDO:0009179, OMIM 226600.

Submission:

Neuberg Centre For Genomic Medicine, NCGM
Classification: Uncertain significance for Recessive dystrophic epidermolysis bullosa. Review status: criteria provided, single submitter. Criteria: ACMG Guidelines, 2015. Collection method: clinical testing. Allele origin: germline. Inheritance: Autosomal recessive inheritance. Affected: yes.
Comment: The missense variant p.D850Y in COL7A1 (NM_000094.4) has not been reported previously as a pathogenic variant nor as a benign variant, to our knowledge. The p.D850Y variant is novel (not in any individuals) in gnomAD Exomes and is novel (not in any individuals) in 1000 Genomes. In silico tools predict the variant to be damaging and the residue is conserved across species. For these reasons, this variant has been classified as Uncertain Significance.